The following is an entry in ClinVar:

ClinVar aggregate classification (germline): Uncertain significance. Review status: criteria provided, multiple submitters, no conflicts (2 of 4 stars). 5 submissions from 4 submitters: Uncertain significance (3). 2 of the submissions do not count toward it. Last evaluated 2026-03-10.

Conditions:
FOXI1-related disorder. Also called: FOXI1-related condition.
Autosomal recessive nonsyndromic hearing loss 4 (DFNB4). Also called: DEAFNESS, AUTOSOMAL RECESSIVE 4, WITH ENLARGED VESTIBULAR AQUEDUCT, DIGENIC; Nonsyndromic enlarged vestibular aqueduct (NSEVA); Deafness, autosomal recessive 4; Deafness, autosomal recessive 4, with enlarged vestibular aqueduct; FOXI1-Related Pendred Syndrome; KCNJ10-Related Pendred Syndrome. Identifiers: Orphanet 90636, MedGen C3538946, MONDO:0010933, OMIM 600791.
Pendred syndrome (PDS). Also called: Pendred's syndrome; Pendred Syndrome (PDS); THYROID DYSHORMONOGENESIS 2B; THYROID HORMONOGENESIS, GENETIC DEFECT IN, 2B; DEAFNESS WITH GOITER; GOITER-DEAFNESS SYNDROME. Identifiers: Orphanet 705, MedGen C0271829, MONDO:0010134, OMIM 274600.

Allele frequency attached by ClinVar (database versions not stated): ExAC 0.00003; gnomAD 0.00003; TOPMed 0.00006; gnomAD exomes 0.00007.

Submissions (5):

PreventionGenetics, part of Exact Sciences
Classification: Uncertain significance for FOXI1-related condition. Last evaluated: 2026-03-10. Review status: criteria provided, single submitter. Criteria: ACMG Guidelines, 2015. Collection method: clinical testing. Allele origin: germline.
Comment: The FOXI1 c.800G>A variant is predicted to result in the amino acid substitution p.Arg267Gln. This variant was reported in two individuals with Pendred syndrome and nonsyndromic enlarged vestibular aqueducts (Yang et al. 2007. PubMed ID: 17503324). This variant is reported in 0.016% of alleles in individuals of South Asian descent in gnomAD. At this time, the clinical significance of this variant is uncertain due to the absence of conclusive functional and genetic evidence.

Blueprint Genetics
Classification: Uncertain significance. Last evaluated: 2024-10-17. Review status: criteria provided, single submitter. Criteria: ACMG Guidelines, 2015. Collection method: clinical testing. Allele origin: germline.

Fulgent Genetics
Classification: Uncertain significance for Autosomal recessive nonsyndromic hearing loss 4. Last evaluated: 2024-05-23. Review status: criteria provided, single submitter. Criteria: ACMG Guidelines, 2015. Collection method: clinical testing. Allele origin: germline.

OMIM
Classification: Pathogenic for DEAFNESS, AUTOSOMAL RECESSIVE 4, WITH ENLARGED VESTIBULAR AQUEDUCT. Last evaluated: 2007-06-01. Review status: no assertion criteria provided. Collection method: literature only. Allele origin: germline. Not counted in ClinVar's aggregate classification.

OMIM
Classification: Pathogenic for PENDRED SYNDROME. Last evaluated: 2007-06-01. Review status: no assertion criteria provided. Collection method: literature only. Allele origin: germline. Not counted in ClinVar's aggregate classification.

Literature cited by the submitters: PubMed 17503324 (cited by OMIM).

NM_012188.5(FOXI1):c.800G>A (p.Arg267Gln)

Gene: FOXI1 (forkhead box I1; plus strand). Cytogenetic location: 5q35.1.
Variant type: single nucleotide variant.
Coding change: c.800G>A on transcript NM_012188.5 (MANE Select); coding-DNA position 800, G replaced by A.
Protein change: p.Arg267Gln; replaces arginine 267 with glutamine.
Molecular consequence: missense variant. On other transcripts: intron variant (1).
Genome position (GRCh38, 1-based): chr5:170,108,274, G>A. VCF-style: chr5-170108274-G-A. GRCh37 (hg19) VCF-style: chr5-169535278-G-A.
Other names: c.575-60G>A (NM_144769.4); c.800G>A (NM_012188.4); short protein forms R267Q.
Identifiers: ClinVar variation 8450 (VCV000008450.4), dbSNP rs121909341, ClinGen allele CA254394.